The following is an entry in ClinVar:

NM_001318895.3(FHL2):c.337C>T (p.Arg113Cys)

Genes: C2orf49 (chromosome 2 open reading frame 49; plus strand), FHL2 (four and a half LIM domains 2; minus strand). Cytogenetic location: 2q12.2.
Variant type: single nucleotide variant.
Coding change: c.337C>T on transcript NM_001318895.3 (MANE Select); coding-DNA position 337, C replaced by T.
Protein change: p.Arg113Cys; replaces arginine 113 with cysteine.
Molecular consequence: missense variant. On other transcripts: 5 prime UTR variant (2).
Genome position (GRCh38, 1-based): chr2:105,367,734, G>A on the plus strand (C>T on the coding strand, the complement: FHL2 is on the minus strand). VCF-style: chr2-105367734-G-A. GRCh37 (hg19) VCF-style: chr2-105984191-G-A.
Other names: c.337C>T, p.Arg113Cys (NM_001039492.3, NM_001318894.1, NM_001318896.2 and 4 more transcripts); c.-6C>T (NM_001318897.2, NM_001318898.2); c.13C>T, p.Arg5Cys (NM_001318899.2); short protein forms R113C, R5C.
Identifiers: ClinVar variation 178036 (VCV000178036.16), dbSNP rs140148322, ClinGen allele CA181240.
Genomic context (GRCh38, chr2:105,367,734, plus strand): 5'-GGCAGCGGTGGCAGATGAAGCAGGTCTCATGCCAGCTGCTGCCCTTGTACTCCATCTTGC[G>A]GGTACCTGTCATCAGGGTCAAGAGGAACACAGCAGAGTTATGGTTAGAGGGGTGTGGAGT-3'
Protein context (NP_001305824.1, residues 103-123): ECKKTIMPGT[Arg113Cys]KMEYKGSSWH

ClinVar aggregate classification (germline): Conflicting classifications of pathogenicity. Review status: criteria provided, conflicting classifications (1 of 4 stars). 4 submissions from 4 submitters: Uncertain significance (1); Likely benign (3). Last evaluated 2026-01-14.

Conditions:
Cardiomyopathy (CMYO). Also called: Cardiomyopathies. Identifiers: Orphanet 167848, MedGen C0878544, MONDO:0004994, HP:0001638. Inheritance: Various modes of inheritance.
Primary dilated cardiomyopathy (DCM). Also called: Dilated Cardiomyopathy. Identifiers: Orphanet 217604, MedGen C0007193, MeSH D002311, MONDO:0005021, HP:0001644. Inheritance: Various modes of inheritance.

Allele frequency attached by ClinVar (database versions not stated): gnomAD 0.00032 and 0.00036; ExAC 0.00038; ESP Exome Variant Server 0.00038; gnomAD exomes 0.00042; TOPMed 0.00042.
gnomAD v4.1: 754 of 1,613,304 alleles (0.047%); highest among the groups gnomAD compares: Non-Finnish European, 0.059%; no homozygotes.

Submissions (4):

Labcorp Genetics (formerly Invitae), Labcorp
Classification: Likely benign for Primary dilated cardiomyopathy. Last evaluated: 2026-01-14. Review status: criteria provided, single submitter. Criteria: Invitae Variant Classification Sherloc (09022015). Collection method: clinical testing. Allele origin: germline.

Klaassen Lab, Charite University Medicine Berlin
Classification: Uncertain significance for Primary dilated cardiomyopathy. Last evaluated: 2019-07-03. Review status: criteria provided, single submitter. Criteria: ACMG Guidelines, 2015. Collection method: research. Allele origin: germline. Affected: yes.

Laboratory for Molecular Medicine, Mass General Brigham Personalized Medicine
Classification: Likely benign. Last evaluated: 2018-03-12. Review status: criteria provided, single submitter. Criteria: LMM Criteria. Collection method: clinical testing. Allele origin: germline. Observed: 2 variant alleles.
Comment: p.Arg113Cys in exon 4 of FHL2: This variant is not expected to have clinical sig nificance because it has been identified in 0.07% (86/125956) of European chromo somes by the Genome Aggregation Database (gnomAD, rg; dbSNP rs140148322). ACMG/AMP Criteria Applied: BS1; PP3.

CHEO Genetics Diagnostic Laboratory, Children's Hospital of Eastern Ontario
Classification: Likely benign for Cardiomyopathy. Last evaluated: 2018-02-09. Review status: criteria provided, single submitter. Criteria: ACMG Guidelines, 2015. Collection method: clinical testing. Allele origin: germline.

Literature cited by the submitters: PubMed 31333075 (cited by Klaassen Lab, Charite University Medicine Berlin); PubMed 31568572 (cited by Klaassen Lab, Charite University Medicine Berlin).